The following is an entry in ClinVar:

ClinVar aggregate classification (germline): Uncertain significance (1 of 4 stars; one submission).

Conditions:
Autosomal dominant nocturnal frontal lobe epilepsy 5. Also called: KCNT1-Related Epilepsy; CILIARY DYSKINESIA, PRIMARY, 28, WITHOUT SITUS INVERSUS; CILIARY DYSKINESIA, PRIMARY, 28, WITH SITUS INVERSUS; Epilepsy, nocturnal frontal lobe, 5. Identifiers: Orphanet 98784, MedGen C3554306, MONDO:0014002, OMIM 615005.
Developmental and epileptic encephalopathy, 14 (DEE14). Also called: Early infantile epileptic encephalopathy 14. Identifiers: Orphanet 293181, MedGen C3554195, MONDO:0013989, OMIM 614959.

Submission:

Labcorp Genetics (formerly Invitae), Labcorp
Classification: Uncertain significance for Autosomal dominant nocturnal frontal lobe epilepsy 5; Developmental and epileptic encephalopathy, 14. Last evaluated: 2024-03-07. Review status: criteria provided, single submitter. Criteria: Invitae Variant Classification Sherloc (09022015). Collection method: clinical testing. Allele origin: germline.
Comment: This sequence change replaces serine, which is neutral and polar, with phenylalanine, which is neutral and non-polar, at codon 943 of the KCNT1 protein (p.Ser943Phe). This variant is not present in population databases (gnomAD no frequency). This variant has not been reported in the literature in individuals affected with KCNT1-related conditions. ClinVar contains an entry for this variant (Variation ID: 998711). Advanced modeling of protein sequence and biophysical properties (such as structural, functional, and spatial information, amino acid conservation, physicochemical variation, residue mobility, and thermodynamic stability) has been performed at Invitae for this missense variant, however the output from this modeling did not meet the statistical confidence thresholds required to predict the impact of this variant on KCNT1 protein function. In summary, the available evidence is currently insufficient to determine the role of this variant in disease. Therefore, it has been classified as a Variant of Uncertain Significance.

NM_020822.3(KCNT1):c.2828C>T (p.Ser943Phe)

Gene: KCNT1 (potassium sodium-activated channel subfamily T member 1; plus strand). Cytogenetic location: 9q34.3.
Variant type: single nucleotide variant.
Coding change: c.2828C>T on transcript NM_020822.3 (MANE Select); coding-DNA position 2828, C replaced by T.
Protein change: p.Ser943Phe; replaces serine 943 with phenylalanine.
Molecular consequence: missense variant.
Genome position (GRCh38, 1-based): chr9:135,779,457, C>T. VCF-style: chr9-135779457-C-T. GRCh37 (hg19) VCF-style: chr9-138671303-C-T.
Other names: c.2693C>T, p.Ser898Phe (NM_001272003.2); short protein forms S898F, S943F.
Identifiers: ClinVar variation 998711 (VCV000998711.9), dbSNP rs1833442719, ClinGen allele CA375515722.